The following is an entry in ClinVar:

ClinVar aggregate classification (germline): Uncertain significance (1 of 4 stars; one submission).

Submission:

GeneDx
Classification: Uncertain significance. Last evaluated: 2023-03-09. Review status: criteria provided, single submitter. Criteria: GeneDx Variant Classification Process June 2021. Collection method: clinical testing. Allele origin: germline. Affected: yes.
Comment: Not observed at significant frequency in large population cohorts (gnomAD); In silico analysis supports that this missense variant does not alter protein structure/function; Has not been previously published as pathogenic or benign to our knowledge

NM_002224.4(ITPR3):c.175G>A (p.Val59Met)

Gene: ITPR3 (inositol 1,4,5-trisphosphate receptor type 3; plus strand). Cytogenetic location: 6p21.31.
Variant type: single nucleotide variant.
Coding change: c.175G>A on transcript NM_002224.4 (MANE Select); coding-DNA position 175, G replaced by A.
Protein change: p.Val59Met; replaces valine 59 with methionine.
Molecular consequence: missense variant.
Genome position (GRCh38, 1-based): chr6:33,655,780, G>A. VCF-style: chr6-33655780-G-A. GRCh37 (hg19) VCF-style: chr6-33623557-G-A.
Other names: short protein forms V59M.
Identifiers: ClinVar variation 2579482 (VCV002579482.1), dbSNP rs2532982303, ClinGen allele CA363682338.